The following is an entry in ClinVar:

ClinVar aggregate classification (germline): Conflicting classifications of pathogenicity. Review status: criteria provided, conflicting classifications (1 of 4 stars). 3 submissions from 3 submitters: Uncertain significance (1); Likely benign (2). Last evaluated 2025-05-12.

Conditions:
Hereditary pancreatitis (PCTT). Also called: PRSS1-Related Hereditary Pancreatitis; Hereditary chronic pancreatitis. Identifiers: Orphanet 676, MedGen C0238339, MONDO:0008185, OMIM 167800.

Allele frequency attached by ClinVar (database versions not stated): gnomAD 0.00001; TOPMed 0.00003; gnomAD exomes 0.00004; ExAC 0.00006.

Submissions (3):

Labcorp Genetics (formerly Invitae), Labcorp
Classification: Likely benign. Last evaluated: 2025-05-12. Review status: criteria provided, single submitter. Criteria: Invitae Variant Classification Sherloc (09022015). Collection method: clinical testing. Allele origin: germline.

Blueprint Genetics
Classification: Likely benign. Last evaluated: 2022-12-22. Review status: criteria provided, single submitter. Criteria: ACMG Guidelines, 2015. Collection method: clinical testing. Allele origin: germline.

Sema4
Classification: Uncertain significance for Hereditary pancreatitis. Last evaluated: 2021-06-09. Review status: criteria provided, single submitter. Criteria: Sema4 Curation Guidelines. Collection method: curation. Allele origin: germline.
Comment: The CPA1 c.66-11A>T (p.) variant has not been reported in the literature to our knowledge. It was observed in 5/35152 chromosomes of the Latino subpopulation in the large and broad cohorts of the Genome Aggregation Database. The variant has not been reported in ClinVar. In silico tools suggest that the variant does not impact splicing, though these predictions have not been confirmed by functional studies. The evidence is insufficient to meet ACMG/AMP criteria for classifying the variant as benign or pathogenic. Thus, the clinical significance of this variant is currently uncertain.

NM_001868.4(CPA1):c.66-11A>T

Gene: CPA1 (carboxypeptidase A1; plus strand). Cytogenetic location: 7q32.2.
Variant type: single nucleotide variant.
Coding change: c.66-11A>T on transcript NM_001868.4 (MANE Select); 11 bases into the intron before coding-DNA position 66, A replaced by T.
Molecular consequence: intron variant.
Genome position (GRCh38, 1-based): chr7:130,381,087, A>T. VCF-style: chr7-130381087-A-T. GRCh37 (hg19) VCF-style: chr7-130020928-A-T.
Identifiers: ClinVar variation 1558794 (VCV001558794.10), dbSNP rs782638392, ClinGen allele CA4484671.